The following is an entry in ClinVar:

NM_000038.6(APC):c.7141C>G (p.Gln2381Glu)

Gene: APC (APC regulator of Wnt signaling pathway; plus strand). Cytogenetic location: 5q22.2.
Variant type: single nucleotide variant.
Coding change: c.7141C>G on transcript NM_000038.6 (MANE Select); coding-DNA position 7141, C replaced by G.
Protein change: p.Gln2381Glu; replaces glutamine 2381 with glutamic acid.
Molecular consequence: missense variant.
Genome position (GRCh38, 1-based): chr5:112,842,735, C>G. VCF-style: chr5-112842735-C-G. GRCh37 (hg19) VCF-style: chr5-112178432-C-G.
Other names: c.7141C>G (NM_000038.5); c.7141C>G, p.Gln2381Glu (NM_001127510.3, NM_001354895.2, NM_001407450.1); c.7087C>G, p.Gln2363Glu (NM_001127511.3); c.7195C>G, p.Gln2399Glu (NM_001354896.2, NM_001407447.1, NM_001407448.1 and 1 more transcripts); c.7171C>G, p.Gln2391Glu (NM_001354897.2); c.7066C>G, p.Gln2356Glu (NM_001354898.2); c.7057C>G, p.Gln2353Glu (NM_001354899.2); c.7018C>G, p.Gln2340Glu (NM_001354900.2); and 12 more; short protein forms Q2298E, Q2371E, Q2098E, Q2255E, Q2290E, Q2356E, Q2363E, Q2374E.
Identifiers: ClinVar variation 1900282 (VCV001900282.8), dbSNP rs1766388613, ClinGen allele CA16036883.

ClinVar aggregate classification (germline): Uncertain significance. Review status: criteria provided, multiple submitters, no conflicts (2 of 4 stars). 3 submissions from 3 submitters: Uncertain significance (3). Last evaluated 2023-11-14.

Conditions:
Hereditary cancer-predisposing syndrome. Also called: Tumor predisposition; Neoplastic Syndromes, Hereditary; Hereditary Cancer Syndrome; Hereditary neoplastic syndrome. Identifiers: Orphanet 140162, MedGen C0027672, MeSH D009386, MONDO:0015356.
Familial adenomatous polyposis 1 (FAP1). Also called: FAMILIAL ADENOMATOUS POLYPOSIS 1, ATTENUATED; POLYPOSIS, ADENOMATOUS INTESTINAL. Identifiers: MedGen C2713442, MONDO:0021056, OMIM 175100. Disease mechanism: loss of function.

Submissions (3):

Labcorp Genetics (formerly Invitae), Labcorp
Classification: Uncertain significance for Familial adenomatous polyposis 1. Last evaluated: 2023-11-14. Review status: criteria provided, single submitter. Criteria: Invitae Variant Classification Sherloc (09022015). Collection method: clinical testing. Allele origin: germline.
Comment: This sequence change replaces glutamine, which is neutral and polar, with glutamic acid, which is acidic and polar, at codon 2381 of the APC protein (p.Gln2381Glu). This variant is not present in population databases (gnomAD no frequency). This variant has not been reported in the literature in individuals affected with APC-related conditions. ClinVar contains an entry for this variant (Variation ID: 1900282). Advanced modeling of protein sequence and biophysical properties (such as structural, functional, and spatial information, amino acid conservation, physicochemical variation, residue mobility, and thermodynamic stability) performed at Invitae indicates that this missense variant is not expected to disrupt APC protein function with a negative predictive value of 95%. In summary, the available evidence is currently insufficient to determine the role of this variant in disease. Therefore, it has been classified as a Variant of Uncertain Significance.

Ambry Genetics
Classification: Uncertain significance for Hereditary cancer-predisposing syndrome. Last evaluated: 2023-08-17. Review status: criteria provided, single submitter. Criteria: Ambry Variant Classification Scheme 2023. Collection method: clinical testing. Allele origin: germline.
Comment: The p.Q2381E variant (also known as c.7141C>G), located in coding exon 15 of the APC gene, results from a C to G substitution at nucleotide position 7141. The glutamine at codon 2381 is replaced by glutamic acid, an amino acid with highly similar properties. This amino acid position is conserved. In addition, in silico predictors for this gene do not accurately predict pathogenicity. Since supporting evidence is limited at this time, the clinical significance of this alteration remains unclear.

Baylor Genetics
Classification: Uncertain significance for Familial adenomatous polyposis 1. Last evaluated: 2023-05-10. Review status: criteria provided, single submitter. Criteria: ACMG Guidelines, 2015. Collection method: clinical testing. Allele origin: unknown.